The following is an entry in ClinVar:

ClinVar aggregate classification (germline): Conflicting classifications of pathogenicity. Review status: criteria provided, conflicting classifications (1 of 4 stars). 5 submissions from 5 submitters: Pathogenic (1); Likely pathogenic (1); Uncertain significance (3). Last evaluated 2026-04-02.

Conditions:
Hermansky-Pudlak syndrome (HPS). Also called: ALBINISM WITH HEMORRHAGIC DIATHESIS AND PIGMENTED RETICULOENDOTHELIAL CELLS. Identifiers: Orphanet 79430, MedGen C0079504, MONDO:0019312.
DTNBP1-related disorders.
DTNBP1-related disorder. Also called: DTNBP1-related condition.

Submissions (5):

PreventionGenetics, part of Exact Sciences
Classification: Uncertain significance for DTNBP1-related condition. Last evaluated: 2026-04-02. Review status: criteria provided, single submitter. Criteria: ACMG Guidelines, 2015. Collection method: clinical testing. Allele origin: germline.
Comment: The DTNBP1 c.1017_1020delAGAG variant is predicted to result in a frameshift and premature protein termination (p.Glu340Profs*44). This variant resides in the final exon of this gene, and it is unclear if the resulting mRNA would undergo nonsense-mediated decay. This variant has been reported in the compound heterozygous state in an individual with Hermansky-Pudlak syndrome (Huizing et al. 2020. PubMed ID: 31898847) and in the homozygous state in a cohort with mostly known or suspected inherited bleeding, thrombotic or platelet disorders (Downes et al. 2019. PubMed ID: 31064749). This variant is reported in 0.051% of alleles in individuals of Latino descent in gnomAD. Although we suspect that this variant may be pathogenic, at this time, the clinical significance of this variant is uncertain due to the absence of conclusive functional and genetic evidence.

Women's Health and Genetics/Laboratory Corporation of America, LabCorp
Classification: Uncertain significance. Last evaluated: 2025-06-12. Review status: criteria provided, single submitter. Criteria: LabCorp Variant Classification Summary - May 2015. Collection method: clinical testing. Allele origin: germline.
Comment: Variant summary: DTNBP1 c.1017_1020delAGAG (p.Glu340ProfsX44) causes a frameshift which results in an extension of the protein. The variant allele was found at a frequency of 0.00012 in 251488 control chromosomes, predominantly at a frequency of 0.00052 within the Latino subpopulation in the gnomAD database. The observed variant frequency within Latino control individuals in the gnomAD database is approximately 3-fold of the estimated maximal expected allele frequency for a pathogenic variant in DTNBP1 causing Hermansky-Pudlak Syndrome phenotype (0.00016). However, c.1017_1020delAGAG has also been observed in individual(s) affected with Hermansky-Pudlak Syndrome and/or bleeding disorders due to impaired platelet function (e.g. Downes_2019, Huizing_2020, Pelusi_2022). These data indicate that the variant may be associated with disease. To our knowledge, no experimental evidence demonstrating an impact on protein function has been reported. The following publications have been ascertained in the context of this evaluation (PMID: 31064749, 31898847, 35132767). ClinVar contains an entry for this variant (Variation ID: 626951). Based on the evidence outlined above, the variant was classified as uncertain significance.

Blueprint Genetics
Classification: Likely pathogenic for DTNBP1-related disorders. Last evaluated: 2023-09-09. Review status: criteria provided, single submitter. Criteria: ACMG Guidelines, 2015. Collection method: clinical testing. Allele origin: germline. Affected: yes. Observed: 4 variant alleles.

Labcorp Genetics (formerly Invitae), Labcorp
Classification: Uncertain significance. Last evaluated: 2022-03-14. Review status: criteria provided, single submitter. Criteria: Invitae Variant Classification Sherloc (09022015). Collection method: clinical testing. Allele origin: germline.
Comment: This sequence change results in a frameshift in the DTNBP1 gene (p.Glu340Profs*44). While this is not anticipated to result in nonsense mediated decay, it is expected to disrupt the last 12 amino acid(s) of the DTNBP1 protein and extend the protein by 31 additional amino acid residues. This variant is present in population databases (rs759180894, gnomAD 0.05%). This frameshift has been observed in individual(s) with bleeding disorder and/or Hermansky-Pudlak syndrome (PMID: 31064749, 31898847). Experimental studies and prediction algorithms are not available or were not evaluated, and the functional significance of this variant is currently unknown. In summary, the available evidence is currently insufficient to determine the role of this variant in disease. Therefore, it has been classified as a Variant of Uncertain Significance.

NIHR Bioresource Rare Diseases, University of Cambridge
Classification: Pathogenic for Hermansky-Pudlak syndrome. Last evaluated: 2019-02-01. Review status: criteria provided, single submitter. Criteria: ACMG Guidelines, 2015. Collection method: research. Allele origin: unknown. Affected: yes. Observed: 1 homozygote. Study: ThromboGenomics.

Literature cited by the submitters: PubMed 31064749 (cited by 3 submitters); PubMed 31898847 (cited by Women's Health and Genetics/Laboratory Corporation of America, LabCorp and Labcorp Genetics (formerly Invitae), Labcorp); PubMed 35132767 (cited by Women's Health and Genetics/Laboratory Corporation of America, LabCorp).

NM_032122.5(DTNBP1):c.1017_1020del (p.Glu340fs)

Gene: DTNBP1 (dystrobrevin binding protein 1; minus strand). Cytogenetic location: 6p22.3.
Variant type: Microsatellite.
Coding change: c.1017_1020del on transcript NM_032122.5 (MANE Select); coding-DNA positions 1017 to 1020, 4 bases deleted (AGAG; older notation c.1017_1020delAGAG).
Protein change: p.Glu340fs; shifts the reading frame from glutamic acid 340.
Molecular consequence: frameshift variant.
Genome position (GRCh38, 1-based): chr6:15,523,011-15,523,014, CTCT deleted on the plus strand (AGAG on the coding strand, the reverse complement: DTNBP1 is on the minus strand); deleting any 4 consecutive bases within chr6:15,523,011-15,523,016 gives the same sequence; the c. name uses the placement nearest the transcript's 3' end. VCF-style (leftmost placement, unchanged base first): chr6-15523010-CCTCT-C. GRCh37 (hg19) VCF-style: chr6-15523241-CCTCT-C.
Other names: c.774_777del, p.Glu259fs (NM_001271667.2); c.966_969del, p.Glu323fs (NM_001271668.2); c.912_915del, p.Glu305fs (NM_001271669.2); c.1017_1020delAGAG (NM_032122.5); short protein forms E259fs, E323fs, E305fs, E340fs.
Identifiers: ClinVar variation 626951 (VCV000626951.11), dbSNP rs752074481, ClinGen allele CA3643654.